The following is an entry in ClinVar:

NM_020778.5(ALPK3):c.882A>G (p.Thr294=)

Gene: ALPK3 (alpha kinase 3; plus strand). Cytogenetic location: 15q25.3.
Variant type: single nucleotide variant.
Coding change: c.882A>G on transcript NM_020778.5 (MANE Select); coding-DNA position 882, A replaced by G.
Protein change: p.Thr294=; no amino-acid change (threonine 294 retained).
Molecular consequence: synonymous variant.
Genome position (GRCh38, 1-based): chr15:84,840,161, A>G. VCF-style: chr15-84840161-A-G. GRCh37 (hg19) VCF-style: chr15-85383392-A-G.
Identifiers: ClinVar variation 508171 (VCV000508171.16), dbSNP rs542316430, ClinGen allele CA7709088.

ClinVar aggregate classification (germline): Benign/Likely benign. Review status: criteria provided, multiple submitters, no conflicts (2 of 4 stars). 5 submissions from 5 submitters: Benign (1); Likely benign (4). Last evaluated 2025-12-13.

Conditions:
ALPK3-related disorder. Also called: ALPK3-related condition.
Cardiovascular phenotype. Identifiers: MedGen CN230736.

Allele frequency attached by ClinVar (database versions not stated): gnomAD below 0.00001 and 0.00003; TOPMed 0.00001; 1000 Genomes Project 30x 0.00016; 1000 Genomes Project 0.00020; gnomAD exomes 0.00033; ExAC 0.00037.
gnomAD v4.1: 237 of 1,613,916 alleles (0.015%); highest among the groups gnomAD compares: South Asian, 0.25%; 5 homozygotes.

Submissions (5):

Labcorp Genetics (formerly Invitae), Labcorp
Classification: Benign. Last evaluated: 2025-12-13. Review status: criteria provided, single submitter. Criteria: Invitae Variant Classification Sherloc (09022015). Collection method: clinical testing. Allele origin: germline.

PreventionGenetics, part of Exact Sciences
Classification: Likely benign for ALPK3-related condition. Last evaluated: 2025-05-22. Review status: criteria provided, single submitter. Criteria: ACMG Guidelines, 2015. Collection method: clinical testing. Allele origin: germline.
Comment: This variant is classified as likely benign based on ACMG/AMP sequence variant interpretation guidelines (Richards et al. 2015 PMID: 25741868, with internal and published modifications).

Blueprint Genetics
Classification: Likely benign. Last evaluated: 2022-11-16. Review status: criteria provided, single submitter. Criteria: ACMG Guidelines, 2015. Collection method: clinical testing. Allele origin: germline.

GeneDx
Classification: Likely benign. Last evaluated: 2021-06-15. Review status: criteria provided, single submitter. Criteria: GeneDx Variant Classification Process June 2021. Collection method: clinical testing. Allele origin: germline. Affected: yes.
Comment: This variant is associated with the following publications: (PMID: 27535533)

Ambry Genetics
Classification: Likely benign for Cardiovascular phenotype. Last evaluated: 2020-12-21. Review status: criteria provided, single submitter. Criteria: Ambry Variant Classification Scheme 2023. Collection method: clinical testing. Allele origin: germline.